The following is an entry in ClinVar:

ClinVar aggregate classification (germline): Uncertain significance (1 of 4 stars; one submission).

Conditions:
Neurofibromatosis, type 1 (NF1). Also called: Peripheral type neurofibromatosis; NEUROFIBROMATOSIS, TYPE I, SOMATIC; VON RECKLINGHAUSEN DISEASE; Neurofibromatosis, type I. Identifiers: Orphanet 636, MedGen C0027831, MONDO:0018975, OMIM 162200. Disease mechanism: loss of function.

Submission:

Labcorp Genetics (formerly Invitae), Labcorp
Classification: Uncertain significance for Neurofibromatosis, type 1. Last evaluated: 2023-07-13. Review status: criteria provided, single submitter. Criteria: Invitae Variant Classification Sherloc (09022015). Collection method: clinical testing. Allele origin: germline.
Comment: In summary, the available evidence is currently insufficient to determine the role of this variant in disease. Therefore, it has been classified as a Variant of Uncertain Significance. Algorithms developed to predict the effect of missense changes on protein structure and function output the following: SIFT: "Not Available"; PolyPhen-2: "Benign"; Align-GVGD: "Not Available". The valine amino acid residue is found in multiple mammalian species, which suggests that this missense change does not adversely affect protein function. This variant has not been reported in the literature in individuals affected with NF1-related conditions. This variant is not present in population databases (gnomAD no frequency). This sequence change replaces alanine, which is neutral and non-polar, with valine, which is neutral and non-polar, at codon 804 of the NF1 protein (p.Ala804Val).

NM_001042492.3(NF1):c.2411C>T (p.Ala804Val)

Gene: NF1 (neurofibromin 1; plus strand). Cytogenetic location: 17q11.2.
Variant type: single nucleotide variant.
Coding change: c.2411C>T on transcript NM_001042492.3 (MANE Select); coding-DNA position 2411, C replaced by T.
Protein change: p.Ala804Val; replaces alanine 804 with valine.
Molecular consequence: missense variant.
Genome position (GRCh38, 1-based): chr17:31,229,026, C>T. VCF-style: chr17-31229026-C-T. GRCh37 (hg19) VCF-style: chr17-29556044-C-T.
Other names: c.2411C>T, p.Ala804Val (NM_000267.4); short protein forms A804V.
Identifiers: ClinVar variation 2743156 (VCV002743156.3), dbSNP rs2151428781, ClinGen allele CA398983798.